The following is an entry in ClinVar:

NM_001267550.2(TTN):c.71134G>A (p.Val23712Ile)

Genes: TTN (titin; minus strand), TTN-AS1 (TTN antisense RNA 1; plus strand). Cytogenetic location: 2q31.2.
Variant type: single nucleotide variant.
Coding change: c.71134G>A on transcript NM_001267550.2 (MANE Select); coding-DNA position 71134, G replaced by A.
Protein change: p.Val23712Ile; replaces valine 23712 with isoleucine.
Molecular consequence: missense variant.
Genome position (GRCh38, 1-based): chr2:178,574,998, C>T on the plus strand (G>A on the coding strand, the complement: TTN is on the minus strand). VCF-style: chr2-178574998-C-T. GRCh37 (hg19) VCF-style: chr2-179439725-C-T.
Other names: c.66211G>A, p.Val22071Ile (NM_001256850.1); c.43939G>A, p.Val14647Ile (NM_003319.4); c.63430G>A, p.Val21144Ile (NM_133378.4); c.44314G>A, p.Val14772Ile (NM_133432.3); c.44515G>A, p.Val14839Ile (NM_133437.4); short protein forms V14647I, V14772I, V14839I, V21144I, V22071I, V23712I.
Identifiers: ClinVar variation 3895273 (VCV003895273.1), dbSNP rs879054551.
Genomic context (GRCh38, chr2:178,574,998, plus strand): 5'-CAGTAGGTGGCCCTGGGATATCATGGACTTGAATGGTGATGACATCACCAACCTCTCCTA[C>T]AATGTTCCTTGCTGTTAATGGATAGGGCCCACTATCACTTCTGACACACTCATTGATATT-3'
Protein context (NP_001254479.2, residues 23702-23722): GPYPLTARNI[Val23712Ile]GEVGDVITIQ

ClinVar aggregate classification (germline): Likely benign (1 of 4 stars; one submission).

gnomAD v4.1: 13 of 1,613,242 alleles (0.00081%); highest among the groups gnomAD compares: African/African-American, 0.0013%; no homozygotes.

Submission:

Molecular Diagnostic Laboratory for Inherited Cardiovascular Disease, Montreal Heart Institute
Classification: Likely benign. Last evaluated: 2025-04-09. Review status: criteria provided, single submitter. Criteria: ACMG Guidelines, 2015. Collection method: clinical testing. Allele origin: germline. Affected: no.
Comment: BP1